The following is an entry in ClinVar:

NM_014264.5(PLK4):c.1135T>G (p.Ser379Ala)

Gene: PLK4 (polo like kinase 4; plus strand). Cytogenetic location: 4q28.1.
Variant type: single nucleotide variant.
Coding change: c.1135T>G on transcript NM_014264.5 (MANE Select); coding-DNA position 1135, T replaced by G.
Protein change: p.Ser379Ala; replaces serine 379 with alanine.
Molecular consequence: missense variant.
Genome position (GRCh38, 1-based): chr4:127,886,505, T>G. VCF-style: chr4-127886505-T-G. GRCh37 (hg19) VCF-style: chr4-128807660-T-G.
Other names: c.1135T>G (NM_014264.4); c.1039T>G, p.Ser347Ala (NM_001190799.2); c.1012T>G, p.Ser338Ala (NM_001190801.2); short protein forms S338A, S347A, S379A.
Identifiers: ClinVar variation 1063872 (VCV001063872.3), dbSNP rs367621049, ClinGen allele CA105637056.

ClinVar aggregate classification (germline): Uncertain significance. Review status: criteria provided, multiple submitters, no conflicts (2 of 4 stars). 2 submissions from 2 submitters: Uncertain significance (2). Last evaluated 2025-08-05.

Conditions:
Inborn genetic diseases. Identifiers: MedGen C0950123, MeSH D030342.

Allele frequency attached by ClinVar (database versions not stated): gnomAD exomes 0.00001; gnomAD 0.00003 and 0.00004; TOPMed 0.00004; ESP Exome Variant Server 0.00008.
gnomAD v4.1: 17 of 1,613,734 alleles (0.0011%); highest among the groups gnomAD compares: Non-Finnish European, 0.0014%; no homozygotes.

Submissions (2):

Ambry Genetics
Classification: Uncertain significance for Inborn genetic diseases. Last evaluated: 2025-08-05. Review status: criteria provided, single submitter. Criteria: Ambry Variant Classification Scheme 2023. Collection method: clinical testing. Allele origin: germline.

Labcorp Genetics (formerly Invitae), Labcorp
Classification: Uncertain significance. Last evaluated: 2022-08-31. Review status: criteria provided, single submitter. Criteria: Invitae Variant Classification Sherloc (09022015). Collection method: clinical testing. Allele origin: germline.
Comment: This sequence change replaces serine, which is neutral and polar, with alanine, which is neutral and non-polar, at codon 379 of the PLK4 protein (p.Ser379Ala). This variant is present in population databases (rs367621049, gnomAD 0.002%). This variant has not been reported in the literature in individuals affected with PLK4-related conditions. ClinVar contains an entry for this variant (Variation ID: 1063872). Algorithms developed to predict the effect of missense changes on protein structure and function are either unavailable or do not agree on the potential impact of this missense change (SIFT: "Deleterious"; PolyPhen-2: "Probably Damaging"; Align-GVGD: "Class C0"). In summary, the available evidence is currently insufficient to determine the role of this variant in disease. Therefore, it has been classified as a Variant of Uncertain Significance.